The following is an entry in ClinVar:

ClinVar aggregate classification (germline): Uncertain significance (1 of 4 stars; one submission).

Submission:

Labcorp Genetics (formerly Invitae), Labcorp
Classification: Uncertain significance. Last evaluated: 2021-04-11. Review status: criteria provided, single submitter. Criteria: Invitae Variant Classification Sherloc (09022015). Collection method: clinical testing. Allele origin: germline.
Comment: This sequence change replaces glutamic acid with lysine at codon 1814 of the RAI1 protein (p.Glu1814Lys). The glutamic acid residue is highly conserved and there is a small physicochemical difference between glutamic acid and lysine. This variant is not present in population databases (ExAC no frequency). In summary, the available evidence is currently insufficient to determine the role of this variant in disease. Therefore, it has been classified as a Variant of Uncertain Significance. Algorithms developed to predict the effect of missense changes on protein structure and function (SIFT, PolyPhen-2, Align-GVGD) all suggest that this variant is likely to be tolerated, but these predictions have not been confirmed by published functional studies and their clinical significance is uncertain. This variant has not been reported in the literature in individuals with RAI1-related conditions.

NM_030665.4(RAI1):c.5440G>A (p.Glu1814Lys)

Gene: RAI1 (retinoic acid induced 1; plus strand). Cytogenetic location: 17p11.2.
Variant type: single nucleotide variant.
Coding change: c.5440G>A on transcript NM_030665.4 (MANE Select); coding-DNA position 5440, G replaced by A.
Protein change: p.Glu1814Lys; replaces glutamic acid 1814 with lysine.
Molecular consequence: missense variant.
Genome position (GRCh38, 1-based): chr17:17,798,388, G>A. VCF-style: chr17-17798388-G-A. GRCh37 (hg19) VCF-style: chr17-17701702-G-A.
Other names: short protein forms E1814K.
Identifiers: ClinVar variation 1525418 (VCV001525418.8), dbSNP rs2143003534, ClinGen allele CA398559176.